The following is an entry in ClinVar:

NM_005633.4(SOS1):c.1269C>G (p.Asn423Lys)

Gene: SOS1 (SOS Ras/Rac guanine nucleotide exchange factor 1; minus strand). Cytogenetic location: 2p22.1.
Variant type: single nucleotide variant.
Coding change: c.1269C>G on transcript NM_005633.4 (MANE Select); coding-DNA position 1269, C replaced by G.
Protein change: p.Asn423Lys; replaces asparagine 423 with lysine.
Molecular consequence: missense variant.
Genome position (GRCh38, 1-based): chr2:39,023,159, G>C on the plus strand (C>G on the coding strand, the complement: SOS1 is on the minus strand). VCF-style: chr2-39023159-G-C. GRCh37 (hg19) VCF-style: chr2-39250300-G-C.
Other names: p.N423K:AAC>AAG; c.1248C>G, p.Asn416Lys (NM_001382394.1); c.1269C>G, p.Asn423Lys (NM_001382395.1); short protein forms N423K, N416K.
Identifiers: ClinVar variation 40666 (VCV000040666.16), dbSNP rs138459502, ClinGen allele CA297301.

ClinVar aggregate classification (germline): Conflicting classifications of pathogenicity. Review status: criteria provided, conflicting classifications (1 of 4 stars). 6 submissions from 5 submitters: Uncertain significance (5); Likely benign (1). Last evaluated 2025-12-27.

Conditions:
Cardiovascular phenotype. Identifiers: MedGen CN230736.
RASopathy. Also called: Noonan spectrum disorder; rasopathies. Identifiers: Orphanet 536391, MedGen C5555857, MONDO:0021060.
Noonan syndrome 4 (NS4). Also called: SOS1-Related Noonan Syndrome; NOONAN SYNDROME WITH PIGMENTED VILLONODULAR SYNOVITIS. Identifiers: Orphanet 648, MedGen C1853120, MONDO:0012547, OMIM 610733.
Fibromatosis, gingival, 1 (GINGF1). Identifiers: Orphanet 2024, MedGen C4551558, MONDO:0007609, OMIM 135300.

Allele frequency attached by ClinVar (database versions not stated): TOPMed 0.00002; ESP Exome Variant Server 0.00008.
gnomAD v4.1: 2 of 1,612,664 alleles (0.00012%); highest among the groups gnomAD compares: African/African-American, 0.0027%; no homozygotes.

Submissions (6):

Labcorp Genetics (formerly Invitae), Labcorp
Classification: Likely benign for RASopathy. Last evaluated: 2025-12-27. Review status: criteria provided, single submitter. Criteria: Invitae Variant Classification Sherloc (09022015). Collection method: clinical testing. Allele origin: germline.

Ambry Genetics
Classification: Uncertain significance for Cardiovascular phenotype. Last evaluated: 2024-12-30. Review status: criteria provided, single submitter. Criteria: Ambry Variant Classification Scheme 2023. Collection method: clinical testing. Allele origin: germline.

GeneDx
Classification: Uncertain significance. Last evaluated: 2022-11-28. Review status: criteria provided, single submitter. Criteria: GeneDx Variant Classification Process June 2021. Collection method: clinical testing. Allele origin: germline. Affected: yes.
Comment: Missense variants in this gene are often considered pathogenic (HGMD); In silico analysis supports that this missense variant does not alter protein structure/function; Has not been previously published as pathogenic or benign to our knowledge; This variant is associated with the following publications: (PMID: 12628188, 21387466, 17143282, 29493581, 20648242)

Women's Health and Genetics/Laboratory Corporation of America, LabCorp
Classification: Uncertain significance. Last evaluated: 2019-08-05. Review status: criteria provided, single submitter. Criteria: LabCorp Variant Classification Summary - May 2015. Collection method: clinical testing. Allele origin: germline.
Comment: Variant summary: SOS1 c.1269C>G (p.Asn423Lys) results in a non-conservative amino acid change in the encoded protein sequence. Three of five in-silico tools predict a damaging effect of the variant on protein function. The variant allele was found at a frequency of 4e-06 in 250564 control chromosomes. The available data on variant occurrences in the general population are insufficient to allow any conclusion about variant significance. To our knowledge, no occurrence of c.1269C>G in individuals affected with Noonan Syndrome and Related Conditions and no experimental evidence demonstrating its impact on protein function have been reported. One clinical diagnostic laboratory has submitted clinical-significance assessments for this variant to ClinVar after 2014 without evidence for independent evaluation and classified the variant as uncertain significance. Based on the evidence outlined above, the variant was classified as uncertain significance.

Genome-Nilou Lab
Classification: Uncertain significance for Noonan syndrome 4. Review status: criteria provided, single submitter. Criteria: ACMG Guidelines, 2015. Collection method: clinical testing. Allele origin: germline.

Genome-Nilou Lab
Classification: Uncertain significance for Fibromatosis, gingival, 1. Review status: criteria provided, single submitter. Criteria: ACMG Guidelines, 2015. Collection method: clinical testing. Allele origin: germline.